The following is an entry in ClinVar:

ClinVar aggregate classification (germline): Uncertain significance (1 of 4 stars; one submission).

Conditions:
Familial hypocalciuric hypercalcemia (FHH). Also called: Familial benign hypercalcemia. Identifiers: Orphanet 405, MedGen C1809471, MONDO:0018458.
Autosomal dominant hypocalcemia 1 (HYPOC1). Also called: HYPOCALCEMIA, FAMILIAL. Identifiers: MedGen C3715128, MONDO:0011013, OMIM 601198.

Allele frequency attached by ClinVar (database versions not stated): gnomAD exomes below 0.00001.
gnomAD v4.1: 3 of 1,614,108 alleles (0.00019%); highest among the groups gnomAD compares: Non-Finnish European, 0.00025%; no homozygotes.

Submission:

Labcorp Genetics (formerly Invitae), Labcorp
Classification: Uncertain significance for Familial hypocalciuric hypercalcemia; Autosomal dominant hypocalcemia 1. Last evaluated: 2024-06-03. Review status: criteria provided, single submitter. Criteria: Invitae Variant Classification Sherloc (09022015). Collection method: clinical testing. Allele origin: germline.
Comment: This sequence change replaces isoleucine, which is neutral and non-polar, with valine, which is neutral and non-polar, at codon 692 of the CASR protein (p.Ile692Val). This variant is not present in population databases (gnomAD no frequency). This variant has not been reported in the literature in individuals affected with CASR-related conditions. ClinVar contains an entry for this variant (Variation ID: 1963733). An algorithm developed to predict the effect of missense changes on protein structure and function (PolyPhen-2) suggests that this variant is likely to be tolerated. In summary, the available evidence is currently insufficient to determine the role of this variant in disease. Therefore, it has been classified as a Variant of Uncertain Significance.

NM_000388.4(CASR):c.2074A>G (p.Ile692Val)

Gene: CASR (calcium sensing receptor; plus strand). Cytogenetic location: 3q21.1.
Variant type: single nucleotide variant.
Coding change: c.2074A>G on transcript NM_000388.4 (MANE Select); coding-DNA position 2074, A replaced by G.
Protein change: p.Ile692Val; replaces isoleucine 692 with valine.
Molecular consequence: missense variant.
Genome position (GRCh38, 1-based): chr3:122,284,028, A>G. VCF-style: chr3-122284028-A-G. GRCh37 (hg19) VCF-style: chr3-122002875-A-G.
Other names: c.2104A>G, p.Ile702Val (NM_001178065.2); short protein forms I692V, I702V.
Identifiers: ClinVar variation 1963733 (VCV001963733.5), dbSNP rs2473277770, ClinGen allele CA354158436.